The following is an entry in ClinVar:

ClinVar aggregate classification (germline): Likely benign. Review status: criteria provided, multiple submitters, no conflicts (2 of 4 stars). 3 submissions from 3 submitters: Likely benign (3). Last evaluated 2026-01-28.

Conditions:
Tuberous sclerosis 2 (TSC2). Identifiers: Orphanet 805, MedGen C1860707, MONDO:0013199, OMIM 613254.

Allele frequency attached by ClinVar (database versions not stated): gnomAD exomes 0.00001; TOPMed 0.00001; gnomAD 0.00002.
gnomAD v4.1: 30 of 1,601,202 alleles (0.0019%); highest among the groups gnomAD compares: Admixed American, 0.0034%; no homozygotes.

Submissions (3):

Labcorp Genetics (formerly Invitae), Labcorp
Classification: Likely benign for Tuberous sclerosis 2. Last evaluated: 2026-01-28. Review status: criteria provided, single submitter. Criteria: Invitae Variant Classification Sherloc (09022015). Collection method: clinical testing. Allele origin: germline.

Myriad Genetics, Inc.
Classification: Likely benign for Tuberous sclerosis 2. Last evaluated: 2025-05-13. Review status: criteria provided, single submitter. Criteria: Myriad Autosomal Dominant, Autosomal Recessive and X-Linked Classification Criteria (2023). Collection method: clinical testing. Allele origin: unknown.
Comment: This variant is considered likely benign. This variant is intronic and is not expected to impact mRNA splicing.

GeneDx
Classification: Likely benign. Last evaluated: 2016-03-31. Review status: criteria provided, single submitter. Criteria: GeneDx Variant Classification (06012015). Collection method: clinical testing. Allele origin: germline. Affected: yes.
Comment: This variant is considered likely benign or benign based on one or more of the following criteria: it is a conservative change, it occurs at a poorly conserved position in the protein, it is predicted to be benign by multiple in silico algorithms, and/or has population frequency not consistent with disease.

NM_000548.5(TSC2):c.1258-16G>T

Gene: TSC2 (TSC complex subunit 2; plus strand). Cytogenetic location: 16p13.3.
Variant type: single nucleotide variant.
Coding change: c.1258-16G>T on transcript NM_000548.5 (MANE Select); 16 bases into the intron before coding-DNA position 1258, G replaced by T.
Molecular consequence: intron variant.
Genome position (GRCh38, 1-based): chr16:2,062,481, G>T. VCF-style: chr16-2062481-G-T. GRCh37 (hg19) VCF-style: chr16-2112482-G-T.
Other names: c.1258-16G>T (NM_001114382.3, NM_021055.3, NM_001370405.1 and 3 more transcripts); c.1147-16G>T (NM_001318827.2); c.658-16G>T (NM_001318831.2); c.1111-16G>T (NM_001318829.2); c.1291-16G>T (NM_001318832.2).
Identifiers: ClinVar variation 385079 (VCV000385079.9), dbSNP rs979174870, ClinGen allele CA16607141.